The following is an entry in ClinVar:

ClinVar aggregate classification (germline): Uncertain significance (1 of 4 stars; one submission).

Conditions:
Ornithine aminotransferase deficiency (GACR). Also called: Ornithine ketoacid aminotransferase deficiency; Gyrate atrophy; Gyrate atrophy of choroid and retina; Girate atrophy of the retina; HYPERORNITHINEMIA WITH GYRATE ATROPHY OF CHOROID AND RETINA; OAT DEFICIENCY. Identifiers: Orphanet 414, MedGen C0018425, MONDO:0009796, OMIM 258870.

Submission:

Labcorp Genetics (formerly Invitae), Labcorp
Classification: Uncertain significance for Ornithine aminotransferase deficiency. Last evaluated: 2022-06-28. Review status: criteria provided, single submitter. Criteria: Invitae Variant Classification Sherloc (09022015). Collection method: clinical testing. Allele origin: germline.
Comment: A copy number gain of the genomic region encompassing the full coding sequence of the OAT gene has been identified. The boundaries of this event are unknown as they extend beyond the assayed region for this gene and therefore may encompass additional genes. As the precise location of this event is unknown, it may be in tandem or it may be located elsewhere in the genome. This variant has not been reported in the literature in individuals affected with OAT-related conditions. In summary, the available evidence is currently insufficient to determine the role of this variant in disease. Therefore, it has been classified as a Variant of Uncertain Significance.

NC_000010.10:g.(?_126086511)_(126100740_?)dup

Gene: OAT (ornithine aminotransferase; minus strand). Cytogenetic location: 10q26.13.
Variant type: Duplication.
Identifiers: ClinVar variation 1510461 (VCV001510461.4).